The following is an entry in ClinVar:

ClinVar aggregate classification (germline): Uncertain significance. Review status: criteria provided, multiple submitters, no conflicts (2 of 4 stars). 2 submissions from 2 submitters: Uncertain significance (2). Last evaluated 2025-06-22.

Conditions:
Inborn genetic diseases. Identifiers: MedGen C0950123, MeSH D030342.

Allele frequency attached by ClinVar (database versions not stated): ExAC 0.00001; gnomAD exomes 0.00001; TOPMed 0.00001; gnomAD 0.00002.
gnomAD v4.1: 17 of 1,610,662 alleles (0.0011%); highest among the groups gnomAD compares: Non-Finnish European, 0.0014%; no homozygotes.

Submissions (2):

Ambry Genetics
Classification: Uncertain significance for Inborn genetic diseases. Last evaluated: 2025-06-22. Review status: criteria provided, single submitter. Criteria: Ambry Variant Classification Scheme 2023. Collection method: clinical testing. Allele origin: germline.

Labcorp Genetics (formerly Invitae), Labcorp
Classification: Uncertain significance. Last evaluated: 2024-01-02. Review status: criteria provided, single submitter. Criteria: Invitae Variant Classification Sherloc (09022015). Collection method: clinical testing. Allele origin: germline.
Comment: This sequence change replaces threonine, which is neutral and polar, with serine, which is neutral and polar, at codon 2351 of the ADGRV1 protein (p.Thr2351Ser). This variant is present in population databases (rs755394390, gnomAD 0.003%). This variant has not been reported in the literature in individuals affected with ADGRV1-related conditions. ClinVar contains an entry for this variant (Variation ID: 1499181). Advanced modeling of protein sequence and biophysical properties (such as structural, functional, and spatial information, amino acid conservation, physicochemical variation, residue mobility, and thermodynamic stability) performed at Invitae indicates that this missense variant is not expected to disrupt ADGRV1 protein function with a negative predictive value of 95%. In summary, the available evidence is currently insufficient to determine the role of this variant in disease. Therefore, it has been classified as a Variant of Uncertain Significance.

NM_032119.4(ADGRV1):c.7051A>T (p.Thr2351Ser)

Gene: ADGRV1 (adhesion G protein-coupled receptor V1; plus strand). Cytogenetic location: 5q14.3.
Variant type: single nucleotide variant.
Coding change: c.7051A>T on transcript NM_032119.4 (MANE Select); coding-DNA position 7051, A replaced by T.
Protein change: p.Thr2351Ser; replaces threonine 2351 with serine.
Molecular consequence: missense variant. On other transcripts: non-coding transcript variant (1).
Genome position (GRCh38, 1-based): chr5:90,692,704, A>T. VCF-style: chr5-90692704-A-T. GRCh37 (hg19) VCF-style: chr5-89988521-A-T.
Other names: c.7051A>T (NM_032119.3); short protein forms T2351S.
Identifiers: ClinVar variation 1499181 (VCV001499181.7), dbSNP rs755394390, ClinGen allele CA3339957.
Genomic context (GRCh38, chr5:90,692,704, plus strand): 5'-ACTATTGGGTTAGATCGAATTGCAAATATTATTATTCCTGCCAATGATGATCCTTATGGT[A>T]CAGTAGCCTTTGCTCAGATGGTTTATCGTGTTCAAGAGCCTCTGGAAAGAAGTTCCTGTG-3'
Protein context (NP_115495.3, residues 2341-2361): IIPANDDPYG[Thr2351Ser]VAFAQMVYRV